The following is an entry in ClinVar:

NM_000553.6(WRN):c.2003A>G (p.Asp668Gly)

Gene: WRN (WRN RecQ like helicase; plus strand). Cytogenetic location: 8p12.
Variant type: single nucleotide variant.
Coding change: c.2003A>G on transcript NM_000553.6 (MANE Select); coding-DNA position 2003, A replaced by G.
Protein change: p.Asp668Gly; replaces aspartic acid 668 with glycine.
Molecular consequence: missense variant.
Genome position (GRCh38, 1-based): chr8:31,100,870, A>G. VCF-style: chr8-31100870-A-G. GRCh37 (hg19) VCF-style: chr8-30958386-A-G.
Other names: short protein forms D668G.
Identifiers: ClinVar variation 3644396 (VCV003644396.2).
Genomic context (GRCh38, chr8:31,100,870, plus strand): 5'-GCTTTATCTTTTCCTTTATGTGTTTTTCTTTTTTTACAGGTATCACGCTCATTGCTGTGG[A>G]TGAGGCTCACTGTATTTCTGAGTGGGGGCATGATTTTAGGGATTCATTCAGGAAGTTGGG-3'
Protein context (NP_000544.2, residues 658-678): ADIGITLIAV[Asp668Gly]EAHCISEWGH

ClinVar aggregate classification (germline): Uncertain significance (1 of 4 stars; one submission).

Conditions:
Werner syndrome (WRN). Identifiers: Orphanet 902, MedGen C0043119, MONDO:0010196, OMIM 277700.

Submission:

Labcorp Genetics (formerly Invitae), Labcorp
Classification: Uncertain significance for Werner syndrome. Last evaluated: 2024-07-20. Review status: criteria provided, single submitter. Criteria: Invitae Variant Classification Sherloc (09022015). Collection method: clinical testing. Allele origin: germline.
Comment: This sequence change replaces aspartic acid, which is acidic and polar, with glycine, which is neutral and non-polar, at codon 668 of the WRN protein (p.Asp668Gly). This variant is not present in population databases (gnomAD no frequency). This variant has not been reported in the literature in individuals affected with WRN-related conditions. An algorithm developed to predict the effect of missense changes on protein structure and function (PolyPhen-2) suggests that this variant is likely to be disruptive. In summary, the available evidence is currently insufficient to determine the role of this variant in disease. Therefore, it has been classified as a Variant of Uncertain Significance.